The following is an entry in ClinVar:

ClinVar aggregate classification (germline): Pathogenic. Review status: reviewed by expert panel (3 of 4 stars). 6 submissions from 6 submitters: Pathogenic (1). 5 of the submissions do not count toward it. Last evaluated 2017-03-17.

Conditions:
CFTR-related disorder (CFTR-RD). Also called: CFTR-related disorders; CFTR-related condition. Identifiers: MedGen C5924204, MONDO:7770004.
Cystic fibrosis (CF). Also called: MUCOVISCIDOSIS. Identifiers: Orphanet 586, MedGen C0010674, MONDO:0009061, OMIM 219700. Disease mechanism: loss of function.

Allele frequency attached by ClinVar (database versions not stated): TOPMed 0.00001; gnomAD 0.00001.

Submissions (6):

CFTR2
Classification: Pathogenic for Cystic fibrosis. Last evaluated: 2017-03-17. Review status: reviewed by expert panel. Criteria: Sosnay PR et al. (Nat Genet 2013). Collection method: research. Allele origin: germline. Affected: yes. Study: CFTR2.

Ambry Genetics
Classification: Likely pathogenic for Cystic fibrosis. Last evaluated: 2026-05-08. Review status: criteria provided, single submitter. Criteria: Ambry Variant Classification Scheme 2023. Collection method: clinical testing. Allele origin: germline. Not counted in ClinVar's aggregate classification.
Comment: The 3139_3139+1delGG variant results from a deletion of 1 nucleotide located at position 3139 as well as a deletion of the first intronic nucleotide after coding exon 19 of the CFTR gene. This variant has been identified in the homozygous state and/or in conjunction with other CFTR variant(s) in individual(s) with features consistent with cystic fibrosis (Wong LJ et al. Hum Mutat. 2001 Oct;18:296-307; Schrijver I et al. J Mol Diagn. 2016 Jan;18:39-50). Of note, this alteration is also known as 3277delGG in published literature. This variant is considered to be rare based on population cohorts in the Genome Aggregation Database (gnomAD). The canonical splice donor site is highly conserved in available vertebrate species. In silico splice site analysis predicts that this alteration will weaken the native splice donor site. Alterations that disrupt the canonical splice site are expected to cause aberrant splicing, resulting in an abnormal protein or a transcript that is subject to nonsense-mediated mRNA decay. As such, this alteration is classified as likely pathogenic.

Natera, Inc.
Classification: Pathogenic for CFTR-related disorders. Last evaluated: 2026-01-06. Review status: criteria provided, single submitter. Criteria: Natera Variant Classification Schema (03/2026). Collection method: clinical testing. Allele origin: germline. Not counted in ClinVar's aggregate classification.
Comment: The c.3139_3139+1delGG variant in CFTR is a canonical splice donor site variant predicted to affect pre-mRNA splicing, which may result in an abnormal transcript and altered protein product. This variant is expected to result in nonsense mediated decay, truncation, or a dysfunctional protein product. This variant is rare in the general population with a frequency below the threshold expected for the associated phenotype(s). This variant has been observed in one or more individuals affected with the associated recessive disease, as either homozygous or compound heterozygous with a second variant (PMID: 11668613, 31916691). Given the available evidence, this variant is classified as Pathogenic.

Labcorp Genetics (formerly Invitae), Labcorp
Classification: Pathogenic for Cystic fibrosis. Last evaluated: 2024-01-01. Review status: criteria provided, single submitter. Criteria: Invitae Variant Classification Sherloc (09022015). Collection method: clinical testing. Allele origin: germline. Not counted in ClinVar's aggregate classification.
Comment: This sequence change affects a splice site in intron 19 of the CFTR gene. It is expected to disrupt RNA splicing. Variants that disrupt the donor or acceptor splice site typically lead to a loss of protein function (PMID: 16199547), and loss-of-function variants in CFTR are known to be pathogenic (PMID: 1695717, 7691345, 9725922). This variant is not present in population databases (gnomAD no frequency). Disruption of this splice site has been observed in individual(s) with CFTR-related conditions (PMID: 11668613; Invitae). This variant is also known as c.3271delGG. ClinVar contains an entry for this variant (Variation ID: 53660). Algorithms developed to predict the effect of sequence changes on RNA splicing suggest that this variant may disrupt the consensus splice site. For these reasons, this variant has been classified as Pathogenic.

Women's Health and Genetics/Laboratory Corporation of America, LabCorp
Classification: Pathogenic for Cystic fibrosis. Last evaluated: 2019-08-16. Review status: criteria provided, single submitter. Criteria: LabCorp Variant Classification Summary - May 2015. Collection method: clinical testing. Allele origin: germline. Not counted in ClinVar's aggregate classification.
Comment: Variant summary: CFTR c.3139_3139+1delGG is located in a canonical splice-site and is predicted to affect mRNA splicing resulting in a significantly altered protein due to either exon skipping, shortening, or inclusion of intronic material. Several computational tools predict a significant impact on normal splicing: Four predict the variant abolishes a 5' splicing donor site. Two predict the variant abolishes a 3' acceptor site. Two predict the variant creates a 3' acceptor site. However, these predictions have yet to be confirmed by functional studies. The variant allele was found at a frequency of 4e-06 in 250734 control chromosomes (gnomAD). The variant, c.3139_3139+1delGG has been reported in the literature in multiple individuals affected with Cystic Fibrosis predominantly in Hispanic population (Wong_2004, Schrijver_2016). These data indicate that the variant is very likely to be associated with disease. To our knowledge, no experimental evidence demonstrating an impact on protein function has been reported. This variant has been reviewed by an expert panel (CFTR2) in ClinVar and they classified the variant as pathogenic. Based on the evidence outlined above, the variant was classified as pathogenic.

Counsyl
Classification: Likely pathogenic for Cystic fibrosis. Last evaluated: 2014-10-02. Review status: no assertion criteria provided. Collection method: literature only. Allele origin: unknown. Inheritance: Autosomal recessive inheritance. Not counted in ClinVar's aggregate classification.

Literature cited by the submitters: PubMed 11668613 (cited by 5 submitters); PubMed 26708955 (cited by Ambry Genetics and Women's Health and Genetics/Laboratory Corporation of America, LabCorp); PubMed 31916691 (cited by Natera, Inc.); PubMed 16199547 (cited by Labcorp Genetics (formerly Invitae), Labcorp); PubMed 1695717 (cited by Labcorp Genetics (formerly Invitae), Labcorp); PubMed 7691345 (cited by Labcorp Genetics (formerly Invitae), Labcorp); PubMed 9725922 (cited by Labcorp Genetics (formerly Invitae), Labcorp); PubMed 15300780 (cited by Women's Health and Genetics/Laboratory Corporation of America, LabCorp and Counsyl); PubMed 20639189 (cited by Women's Health and Genetics/Laboratory Corporation of America, LabCorp); PubMed 15858154 (cited by Counsyl).

NM_000492.4(CFTR):c.3139_3139+1del

Genes: CFTR (CF transmembrane conductance regulator; plus strand), CFTR-AS2 (CFTR antisense RNA 2; minus strand), LOC111674472 (DNase I hypersensitive sites in introns 16 and 17a of CFTR; plus strand). Cytogenetic location: 7q31.2.
Variant type: Deletion.
Coding change: c.3139_3139+1del on transcript NM_000492.4 (MANE Select); coding-DNA position 3139 through the canonical splice donor site of the intron after coding-DNA position 3139, 2 bases deleted (GG; older notation c.3139_3139+1delGG).
Molecular consequence: splice donor variant.
Genome position (GRCh38, 1-based): chr7:117,610,669-117,610,670, GG deleted. VCF-style (leftmost placement, unchanged base first): chr7-117610668-AGG-A. GRCh37 (hg19) VCF-style: chr7-117250722-AGG-A.
Other names: c.3139_3139+1delGG (NM_000492.3).
Identifiers: ClinVar variation 53660 (VCV000053660.13), dbSNP rs397508505, ClinGen allele CA327058.